The following is an entry in ClinVar:

ClinVar aggregate classification (germline): Uncertain significance (1 of 4 stars; one submission).

Conditions:
Hereditary cancer-predisposing syndrome. Also called: Hereditary Cancer Syndrome; Hereditary neoplastic syndrome; Neoplastic Syndromes, Hereditary; Tumor predisposition. Identifiers: Orphanet 140162, MedGen C0027672, MeSH D009386, MONDO:0015356.

Submission:

Ambry Genetics
Classification: Uncertain significance for Hereditary cancer-predisposing syndrome. Last evaluated: 2022-03-29. Review status: criteria provided, single submitter. Criteria: Ambry Variant Classification Scheme 2023. Collection method: clinical testing. Allele origin: germline.
Comment: The p.N468Y variant (also known as c.1402A>T), located in coding exon 7 of the RET gene, results from an A to T substitution at nucleotide position 1402. The asparagine at codon 468 is replaced by tyrosine, an amino acid with dissimilar properties. This amino acid position is conserved. In addition, the in silico prediction for this alteration is inconclusive. Since supporting evidence is limited at this time, the clinical significance of this alteration remains unclear.

NM_020975.6(RET):c.1402A>T (p.Asn468Tyr)

Gene: RET (ret proto-oncogene; plus strand). Cytogenetic location: 10q11.21.
Variant type: single nucleotide variant.
Coding change: c.1402A>T on transcript NM_020975.6 (MANE Select); coding-DNA position 1402, A replaced by T.
Protein change: p.Asn468Tyr; replaces asparagine 468 with tyrosine.
Molecular consequence: missense variant.
Genome position (GRCh38, 1-based): chr10:43,111,345, A>T. VCF-style: chr10-43111345-A-T. GRCh37 (hg19) VCF-style: chr10-43606793-A-T.
Other names: c.1402A>T, p.Asn468Tyr (NM_000323.2, NM_001406743.1, NM_001406744.1 and 6 more transcripts); c.640A>T, p.Asn214Tyr (NM_001355216.2); c.1273A>T, p.Asn425Tyr (NM_001406761.1, NM_001406762.1, NM_001406764.1 and 1 more transcripts); c.1114A>T, p.Asn372Tyr (NM_001406766.1, NM_001406767.1, NM_001406770.1); c.1006A>T, p.Asn336Tyr (NM_001406769.1, NM_001406772.1); c.964A>T, p.Asn322Tyr (NM_001406771.1, NM_001406773.1); c.877A>T, p.Asn293Tyr (NM_001406774.1); c.676A>T, p.Asn226Tyr (NM_001406775.1, NM_001406776.1, NM_001406777.1 and 1 more transcripts); and 1 more; short protein forms N226Y, N293Y, N372Y, N468Y, N138Y, N336Y, N214Y, N322Y.
Identifiers: ClinVar variation 1771833 (VCV001771833.2), dbSNP rs1554818536, ClinGen allele CA376549429.